The following is an entry in ClinVar:

ClinVar aggregate classification (germline): Likely benign (0 of 4 stars; one submission).

Conditions:
DHX57-related disorder. Also called: DHX57-related condition.

Allele frequency attached by ClinVar (database versions not stated): TOPMed 0.00004; ESP Exome Variant Server 0.00008; gnomAD 0.00016; gnomAD exomes 0.00026; ExAC 0.00051; 1000 Genomes Project 30x 0.00078; 1000 Genomes Project 0.00080.
gnomAD v4.1: 405 of 1,614,238 alleles (0.025%); highest among the groups gnomAD compares: South Asian, 0.38%; 1 homozygote.

Submission:

PreventionGenetics, part of Exact Sciences
Classification: Likely benign for DHX57-related condition. Last evaluated: 2022-06-09. Review status: no assertion criteria provided. Collection method: clinical testing. Allele origin: germline.
Comment: This variant is classified as likely benign based on ACMG/AMP sequence variant interpretation guidelines (Richards et al. 2015 PMID: 25741868, with internal and published modifications).

NM_198963.3(DHX57):c.2856T>G (p.Phe952Leu)

Gene: DHX57 (DExH-box helicase 57; minus strand). Cytogenetic location: 2p22.1.
Variant type: single nucleotide variant.
Coding change: c.2856T>G on transcript NM_198963.3 (MANE Select); coding-DNA position 2856, T replaced by G.
Protein change: p.Phe952Leu; replaces phenylalanine 952 with leucine.
Molecular consequence: missense variant.
Genome position (GRCh38, 1-based): chr2:38,826,005, A>C on the plus strand (T>G on the coding strand, the complement: DHX57 is on the minus strand). VCF-style: chr2-38826005-A-C. GRCh37 (hg19) VCF-style: chr2-39053147-A-C.
Other names: c.2550T>G, p.Phe850Leu (NM_001329963.1); short protein forms F850L, F952L.
Identifiers: ClinVar variation 3054866 (VCV003054866.2), dbSNP rs201583373, ClinGen allele CA1622792.